The following is an entry in ClinVar:

NM_025103.4(IFT74):c.1054+7415G>C

Gene: IFT74 (intraflagellar transport 74; plus strand). Cytogenetic location: 9p21.2.
Variant type: single nucleotide variant.
Coding change: c.1054+7415G>C on transcript NM_025103.4 (MANE Select); 7415 bases into the intron after coding-DNA position 1054, G replaced by C.
Molecular consequence: intron variant. On other transcripts: 3 prime UTR variant (1).
Genome position (GRCh38, 1-based): chr9:27,036,519, G>C. VCF-style: chr9-27036519-G-C. GRCh37 (hg19) VCF-style: chr9-27036517-G-C.
Other names: c.*5G>C (NM_001099224.3); c.1054+7415G>C (NM_001099223.3, NM_001099222.3, NM_001349928.2).
Identifiers: ClinVar variation 3034846 (VCV003034846.2), dbSNP rs755631602, ClinGen allele CA5015519.
Genomic context (GRCh38, chr9:27,036,519, plus strand): 5'-ACTATGGATGGAAAATACTTGAAAAAAATACAGGAAGTTTCAAAAAGCAAGTTTGAACCT[G>C]CCATGTGCTAAGCACTATGCTGAATCCATTTGAACTGAAGAATACCCTGCTATAGCCTCC-3'

ClinVar aggregate classification (germline): Likely benign (0 of 4 stars; one submission).

Conditions:
IFT74-related disorder. Also called: IFT74-related condition; IFT74-Related Disorders.

Allele frequency attached by ClinVar (database versions not stated): gnomAD 0.00012; gnomAD exomes 0.00013; ExAC 0.00015.
gnomAD v4.1: 202 of 1,613,318 alleles (0.013%); highest among the groups gnomAD compares: Middle Eastern, 0.016%; no homozygotes.

Submission:

PreventionGenetics, part of Exact Sciences
Classification: Likely benign for IFT74-related condition. Last evaluated: 2021-11-23. Review status: no assertion criteria provided. Collection method: clinical testing. Allele origin: germline.
Comment: This variant is classified as likely benign based on ACMG/AMP sequence variant interpretation guidelines (Richards et al. 2015 PMID: 25741868, with internal and published modifications).